The following is an entry in ClinVar:

NM_001942.4(DSG1):c.2374G>A (p.Val792Ile)

Genes: DSG1 (desmoglein 1; plus strand), DSG1-AS1 (DSG1 antisense RNA 1; minus strand), LOC126862720 (MED14-independent group 3 enhancer GRCh37_chr18:28933613-28934812; plus strand). Cytogenetic location: 18q12.1.
Variant type: single nucleotide variant.
Coding change: c.2374G>A on transcript NM_001942.4 (MANE Select); coding-DNA position 2374, G replaced by A.
Protein change: p.Val792Ile; replaces valine 792 with isoleucine.
Molecular consequence: missense variant.
Genome position (GRCh38, 1-based): chr18:31,354,570, G>A. VCF-style: chr18-31354570-G-A. GRCh37 (hg19) VCF-style: chr18-28934533-G-A.
Other names: c.2374G>A (NM_001942.2); short protein forms V792I.
Identifiers: ClinVar variation 1523560 (VCV001523560.7), dbSNP rs112716438, ClinGen allele CA8926347.

ClinVar aggregate classification (germline): Conflicting classifications of pathogenicity. Review status: criteria provided, conflicting classifications (1 of 4 stars). 2 submissions from 2 submitters: Uncertain significance (1); Likely benign (1). Last evaluated 2026-01-12.

Conditions:
Inborn genetic diseases. Identifiers: MedGen C0950123, MeSH D030342.

Allele frequency attached by ClinVar (database versions not stated): gnomAD exomes 0.00005; TOPMed 0.00006; ExAC 0.00007; ESP Exome Variant Server 0.00008; gnomAD 0.00008 and 0.00009; 1000 Genomes Project 30x 0.00016; 1000 Genomes Project 0.00020.
gnomAD v4.1: 118 of 1,614,140 alleles (0.0073%); highest among the groups gnomAD compares: African/African-American, 0.015%; no homozygotes.

Submissions (2):

Labcorp Genetics (formerly Invitae), Labcorp
Classification: Uncertain significance. Last evaluated: 2026-01-12. Review status: criteria provided, single submitter. Criteria: Invitae Variant Classification Sherloc (09022015). Collection method: clinical testing. Allele origin: germline.
Comment: This sequence change replaces valine, which is neutral and non-polar, with isoleucine, which is neutral and non-polar, at codon 792 of the DSG1 protein (p.Val792Ile). This variant is present in population databases (rs112716438, gnomAD 0.01%). This variant has not been reported in the literature in individuals affected with DSG1-related conditions. ClinVar contains an entry for this variant (Variation ID: 1523560). An algorithm developed to predict the effect of missense changes on protein structure and function outputs the following: PolyPhen-2: "Benign". The isoleucine amino acid residue is found in multiple mammalian species, which suggests that this missense change does not adversely affect protein function. In summary, the available evidence is currently insufficient to determine the role of this variant in disease. Therefore, it has been classified as a Variant of Uncertain Significance.

Ambry Genetics
Classification: Likely benign for Inborn genetic diseases. Last evaluated: 2022-04-07. Review status: criteria provided, single submitter. Criteria: Ambry Variant Classification Scheme 2023. Collection method: clinical testing. Allele origin: germline.